The following is an entry in ClinVar:

ClinVar aggregate classification (germline): Uncertain significance (1 of 4 stars; one submission).

Conditions:
Hereditary cancer-predisposing syndrome. Also called: Hereditary Cancer Syndrome; Hereditary neoplastic syndrome; Neoplastic Syndromes, Hereditary; Tumor predisposition. Identifiers: Orphanet 140162, MedGen C0027672, MeSH D009386, MONDO:0015356.

Submission:

Ambry Genetics
Classification: Uncertain significance for Hereditary cancer-predisposing syndrome. Last evaluated: 2024-06-18. Review status: criteria provided, single submitter. Criteria: Ambry Variant Classification Scheme 2023. Collection method: clinical testing. Allele origin: germline.
Comment: The p.R15W variant (also known as c.43C>T), located in coding exon 1 of the TMEM127 gene, results from a C to T substitution at nucleotide position 43. The arginine at codon 15 is replaced by tryptophan, an amino acid with dissimilar properties. This amino acid position is highly conserved in available vertebrate species. In addition, the in silico prediction for this alteration is inconclusive. Based on the available evidence, the clinical significance of this variant remains unclear.

NM_017849.4(TMEM127):c.43C>T (p.Arg15Trp)

Genes: TMEM127 (transmembrane protein 127; minus strand), LOC129934333 (ATAC-STARR-seq lymphoblastoid silent region 11759; plus strand). Cytogenetic location: 2q11.2.
Variant type: single nucleotide variant.
Coding change: c.43C>T on transcript NM_017849.4 (MANE Select); coding-DNA position 43, C replaced by T.
Protein change: p.Arg15Trp; replaces arginine 15 with tryptophan.
Molecular consequence: missense variant.
Genome position (GRCh38, 1-based): chr2:96,265,339, G>A on the plus strand (C>T on the coding strand, the complement: TMEM127 is on the minus strand). VCF-style: chr2-96265339-G-A. GRCh37 (hg19) VCF-style: chr2-96931077-G-A.
Other names: c.43C>T, p.Arg15Trp (NM_001193304.3); short protein forms R15W.
Identifiers: ClinVar variation 1740304 (VCV001740304.3), dbSNP rs1684395770, ClinGen allele CA347656247.